The following is an entry in ClinVar:

NM_001278716.2(FBXL4):c.1067G>C (p.Gly356Ala)

Gene: FBXL4 (F-box and leucine rich repeat protein 4; minus strand). Cytogenetic location: 6q16.2.
Variant type: single nucleotide variant.
Coding change: c.1067G>C on transcript NM_001278716.2 (MANE Select); coding-DNA position 1067, G replaced by C.
Protein change: p.Gly356Ala; replaces glycine 356 with alanine.
Molecular consequence: missense variant. On other transcripts: non-coding transcript variant (2).
Genome position (GRCh38, 1-based): chr6:98,905,462, C>G on the plus strand (G>C on the coding strand, the complement: FBXL4 is on the minus strand). VCF-style: chr6-98905462-C-G. GRCh37 (hg19) VCF-style: chr6-99353338-C-G.
Other names: c.1067G>C, p.Gly356Ala (NM_012160.5); short protein forms G356A.
Identifiers: ClinVar variation 437680 (VCV000437680.1), dbSNP rs758201051, ClinGen allele CA3933557.

ClinVar aggregate classification (germline): Uncertain significance (1 of 4 stars; one submission).

Conditions:
Mitochondrial DNA depletion syndrome 13. Also called: FBXL4-Related Encephalomyopathic Mitochondrial DNA Depletion Syndrome; Mitochondrial DNA depletion syndrome 13 (encephalomyopathic type). Identifiers: Orphanet 369897, MedGen C3809592, MONDO:0014198, OMIM 615471.

Allele frequency attached by ClinVar (database versions not stated): ExAC 0.00001; gnomAD exomes below 0.00001.
gnomAD v4.1: 1 of 1,613,964 alleles (0.000062%); highest among the groups gnomAD compares: Admixed American, 0.0017%; no homozygotes.

Submission:

Wong Mito Lab, Molecular and Human Genetics, Baylor College of Medicine
Classification: Uncertain significance for Mitochondrial DNA depletion syndrome 13. Last evaluated: 2017-08-10. Review status: criteria provided, single submitter. Criteria: ACMG Guidelines, 2015. Collection method: reference population. Allele origin: germline.
Comment: The NM_012160.4:c.1067G>C (NP_036292.2:p.Gly356Ala) [GRCH38: NC_000006.12:g.98905462C>G] variant in FBXL4 gene is interpretated to be a Uncertain Significance - Insufficient Evidence based on ACMG guidelines (PMID: 25741868). This variant meets one or more of the following evidence codes reported in the ACMG-guideline. PM2:This variant is absent in key population databases. Based on this evidence code ClinGen Pathogenicity Calculator (PMID:28081714) suggested that the variant is Uncertain Significance - Insufficient Evidence.